The following is an entry in ClinVar:

NM_024675.4(PALB2):c.3457C>G (p.Pro1153Ala)

Gene: PALB2 (partner and localizer of BRCA2; minus strand). Cytogenetic location: 16p12.2.
Variant type: single nucleotide variant.
Coding change: c.3457C>G on transcript NM_024675.4 (MANE Select); coding-DNA position 3457, C replaced by G.
Protein change: p.Pro1153Ala; replaces proline 1153 with alanine.
Molecular consequence: missense variant. On other transcripts: 3 prime UTR variant (5).
Genome position (GRCh38, 1-based): chr16:23,603,563, G>C on the plus strand (C>G on the coding strand, the complement: PALB2 is on the minus strand). VCF-style: chr16-23603563-G-C. GRCh37 (hg19) VCF-style: chr16-23614884-G-C.
Other names: c.3397C>G, p.Pro1133Ala (NM_001407296.1); c.3385C>G, p.Pro1129Ala (NM_001407297.1); c.3295C>G, p.Pro1099Ala (NM_001407298.1); c.3220C>G, p.Pro1074Ala (NM_001407299.1); c.3178C>G, p.Pro1060Ala (NM_001407300.1); c.*92C>G (NM_001407301.1, NM_001407302.1, NM_001407310.1 and 2 more transcripts); c.2572C>G, p.Pro858Ala (NM_001407304.1, NM_001407305.1, NM_001407306.1); c.2410C>G, p.Pro804Ala (NM_001407307.1); and 3 more; short protein forms P1060A, P1074A, P1099A, P1129A, P1133A, P1153A, P331A, P557A.
Identifiers: ClinVar variation 2503305 (VCV002503305.5), dbSNP rs1966399624, ClinGen allele CA395138078.

ClinVar aggregate classification (germline): Conflicting classifications of pathogenicity. Review status: criteria provided, conflicting classifications (1 of 4 stars). 3 submissions from 3 submitters: Uncertain significance (2); Likely benign (1). Last evaluated 2023-11-29.

Conditions:
Hereditary cancer-predisposing syndrome. Also called: Hereditary Cancer Syndrome; Hereditary neoplastic syndrome; Neoplastic Syndromes, Hereditary; Tumor predisposition. Identifiers: Orphanet 140162, MedGen C0027672, MeSH D009386, MONDO:0015356.
Familial cancer of breast. Also called: hereditary breast carcinoma; Hereditary breast cancer; BREAST CANCER, FAMILIAL. Identifiers: Orphanet 227535, MedGen C0346153, MONDO:0016419, OMIM 114480. Disease mechanism: loss of function.

Submissions (3):

Ambry Genetics
Classification: Likely benign for Hereditary cancer-predisposing syndrome. Last evaluated: 2023-11-29. Review status: criteria provided, single submitter. Criteria: Ambry Variant Classification Scheme 2023. Collection method: clinical testing. Allele origin: germline.

Labcorp Genetics (formerly Invitae), Labcorp
Classification: Uncertain significance for Familial cancer of breast. Last evaluated: 2023-07-16. Review status: criteria provided, single submitter. Criteria: Invitae Variant Classification Sherloc (09022015). Collection method: clinical testing. Allele origin: germline.
Comment: This sequence change replaces proline, which is neutral and non-polar, with alanine, which is neutral and non-polar, at codon 1153 of the PALB2 protein (p.Pro1153Ala). In summary, the available evidence is currently insufficient to determine the role of this variant in disease. Therefore, it has been classified as a Variant of Uncertain Significance. An algorithm developed to predict the effect of missense changes on protein structure and function (PolyPhen-2) suggests that this variant is likely to be disruptive. ClinVar contains an entry for this variant (Variation ID: 2503305). This variant has not been reported in the literature in individuals affected with PALB2-related conditions. This variant is not present in population databases (gnomAD no frequency).

GeneDx
Classification: Uncertain significance. Last evaluated: 2022-11-23. Review status: criteria provided, single submitter. Criteria: GeneDx Variant Classification Process June 2021. Collection method: clinical testing. Allele origin: germline. Affected: yes.
Comment: Not observed at significant frequency in large population cohorts (gnomAD); In silico analysis supports that this missense variant has a deleterious effect on protein structure/function; Has not been previously published as pathogenic or benign to our knowledge; This variant is associated with the following publications: (PMID: 24485656, 19609323, 20871615)